The following is an entry in ClinVar:

ClinVar aggregate classification (germline): Uncertain significance. Review status: criteria provided, multiple submitters, no conflicts (2 of 4 stars). 2 submissions from 2 submitters: Uncertain significance (2). Last evaluated 2023-09-14.

Submissions (2):

Blueprint Genetics
Classification: Uncertain significance. Last evaluated: 2023-09-14. Review status: criteria provided, single submitter. Criteria: ACMG Guidelines, 2015. Collection method: clinical testing. Allele origin: germline.

Ambry Genetics
Classification: Uncertain significance. Last evaluated: 2021-10-05. Review status: criteria provided, single submitter. Criteria: Ambry Variant Classification Scheme 2023. Collection method: clinical testing. Allele origin: germline.
Comment: The p.D1223G variant (also known as c.3668A>G), located in coding exon 6 of the MLH3 gene, results from an A to G substitution at nucleotide position 3668. The aspartic acid at codon 1223 is replaced by glycine, an amino acid with similar properties. This amino acid position is conserved. In addition, this alteration is predicted to be deleterious by in silico analysis. Since supporting evidence is limited at this time, the clinical significance of this alteration remains unclear.

NM_001040108.2(MLH3):c.3668A>G (p.Asp1223Gly)

Gene: MLH3 (mutL homolog 3; minus strand). Cytogenetic location: 14q24.3.
Variant type: single nucleotide variant.
Coding change: c.3668A>G on transcript NM_001040108.2 (MANE Select); coding-DNA position 3668, A replaced by G.
Protein change: p.Asp1223Gly; replaces aspartic acid 1223 with glycine.
Molecular consequence: missense variant. On other transcripts: intron variant (1).
Genome position (GRCh38, 1-based): chr14:75,033,466, T>C on the plus strand (A>G on the coding strand, the complement: MLH3 is on the minus strand). VCF-style: chr14-75033466-T-C. GRCh37 (hg19) VCF-style: chr14-75500169-T-C.
Other names: c.3644-1287A>G (NM_014381.3); short protein forms D1223G.
Identifiers: ClinVar variation 1733738 (VCV001733738.3), dbSNP rs2503142387, ClinGen allele CA390425421.